The following is an entry in ClinVar:

ClinVar aggregate classification (germline): Pathogenic (1 of 4 stars; one submission).

Submission:

Labcorp Genetics (formerly Invitae), Labcorp
Classification: Pathogenic. Last evaluated: 2023-10-25. Review status: criteria provided, single submitter. Criteria: Invitae Variant Classification Sherloc (09022015). Collection method: clinical testing. Allele origin: germline.
Comment: This sequence change creates a premature translational stop signal (p.Tyr462*) in the ASPM gene. It is expected to result in an absent or disrupted protein product. Loss-of-function variants in ASPM are known to be pathogenic (PMID: 19028728, 23611254). This variant is not present in population databases (gnomAD no frequency). This premature translational stop signal has been observed in individual(s) with Seckel syndrome (PMID: 29504900). For these reasons, this variant has been classified as Pathogenic.

Literature cited by the submitters: PubMed 19028728; PubMed 23611254; PubMed 29504900.

NM_018136.5(ASPM):c.1386_1387del (p.Tyr462_Ser463delinsTer)

Gene: ASPM (assembly factor for spindle microtubules; minus strand). Cytogenetic location: 1q31.3.
Variant type: Deletion.
Coding change: c.1386_1387del on transcript NM_018136.5 (MANE Select); coding-DNA positions 1386 to 1387, 2 bases deleted (CA; older notation c.1386_1387delCA).
Protein change: p.Tyr462_Ser463delinsTer.
Molecular consequence: nonsense.
Genome position (GRCh38, 1-based): chr1:197,142,865-197,142,866, TG deleted on the plus strand (CA on the coding strand, the reverse complement: ASPM is on the minus strand); deleting any 2 consecutive bases within chr1:197,142,865-197,142,867 gives the same sequence; the c. name uses the placement nearest the transcript's 3' end. VCF-style (leftmost placement, unchanged base first): chr1-197142864-CTG-C. GRCh37 (hg19) VCF-style: chr1-197111994-CTG-C.
Other names: c.1386_1387del, p.Tyr462_Ser463delinsTer (NM_001206846.2).
Identifiers: ClinVar variation 2771629 (VCV002771629.3), dbSNP rs1658637462, ClinGen allele CA1217945871.
Genomic context (GRCh38, chr1:197,142,864, plus strand): 5'-TGGCTATGACTAGAAATATCCTGAACTGCAGAAAATTTAGGATTATTTTGTTTTATAAAA[CTG>C]TAGTAATTTGACTTCATTTCTACTAGTTCTTCAAAAATAGCTTTGGGAGATTTTGAACCC-3'